The following is an entry in ClinVar:

ClinVar aggregate classification (germline): Uncertain significance (1 of 4 stars; one submission).

Conditions:
Kabuki syndrome. Also called: Kabuki make-up syndrome; NIIKAWA-KUROKI SYNDROME. Identifiers: Orphanet 2322, MedGen C0796004, MONDO:0016512.

Allele frequency attached by ClinVar (database versions not stated): gnomAD exomes below 0.00001.
gnomAD v4.1: 4 of 1,607,180 alleles (0.00025%); highest among the groups gnomAD compares: Non-Finnish European, 0.00034%; no homozygotes.

Submission:

Labcorp Genetics (formerly Invitae), Labcorp
Classification: Uncertain significance for Kabuki syndrome. Last evaluated: 2024-01-31. Review status: criteria provided, single submitter. Criteria: Invitae Variant Classification Sherloc (09022015). Collection method: clinical testing. Allele origin: germline.
Comment: This sequence change replaces glycine, which is neutral and non-polar, with arginine, which is basic and polar, at codon 2264 of the KMT2D protein (p.Gly2264Arg). This variant is not present in population databases (gnomAD no frequency). This variant has not been reported in the literature in individuals affected with KMT2D-related conditions. Advanced modeling of protein sequence and biophysical properties (such as structural, functional, and spatial information, amino acid conservation, physicochemical variation, residue mobility, and thermodynamic stability) performed at Invitae indicates that this missense variant is not expected to disrupt KMT2D protein function with a negative predictive value of 95%. In summary, the available evidence is currently insufficient to determine the role of this variant in disease. Therefore, it has been classified as a Variant of Uncertain Significance.

NM_003482.4(KMT2D):c.6790G>C (p.Gly2264Arg)

Gene: KMT2D (lysine methyltransferase 2D; minus strand). Cytogenetic location: 12q13.12.
Variant type: single nucleotide variant.
Coding change: c.6790G>C on transcript NM_003482.4 (MANE Select); coding-DNA position 6790, G replaced by C.
Protein change: p.Gly2264Arg; replaces glycine 2264 with arginine.
Molecular consequence: missense variant.
Genome position (GRCh38, 1-based): chr12:49,040,980, C>G on the plus strand (G>C on the coding strand, the complement: KMT2D is on the minus strand). VCF-style: chr12-49040980-C-G. GRCh37 (hg19) VCF-style: chr12-49434763-C-G.
Other names: short protein forms G2264R.
Identifiers: ClinVar variation 2780256 (VCV002780256.3), dbSNP rs2120539151, ClinGen allele CA384749668.